The following is an entry in ClinVar:

ClinVar aggregate classification (germline): Uncertain significance (1 of 4 stars; one submission).

Allele frequency attached by ClinVar (database versions not stated): gnomAD exomes below 0.00001; gnomAD 0.00001; TOPMed 0.00002.
gnomAD v4.1: 4 of 1,614,082 alleles (0.00025%); highest among the groups gnomAD compares: African/African-American, 0.004%; no homozygotes.

Submission:

Labcorp Genetics (formerly Invitae), Labcorp
Classification: Uncertain significance. Last evaluated: 2022-11-08. Review status: criteria provided, single submitter. Criteria: Invitae Variant Classification Sherloc (09022015). Collection method: clinical testing. Allele origin: germline.
Comment: This sequence change replaces methionine, which is neutral and non-polar, with isoleucine, which is neutral and non-polar, at codon 984 of the PRPF8 protein (p.Met984Ile). This variant is present in population databases (no rsID available, gnomAD 0.007%). In summary, the available evidence is currently insufficient to determine the role of this variant in disease. Therefore, it has been classified as a Variant of Uncertain Significance. Advanced modeling of protein sequence and biophysical properties (such as structural, functional, and spatial information, amino acid conservation, physicochemical variation, residue mobility, and thermodynamic stability) performed at Invitae indicates that this missense variant is not expected to disrupt PRPF8 protein function. This variant has not been reported in the literature in individuals affected with PRPF8-related conditions.

NM_006445.4(PRPF8):c.2952G>A (p.Met984Ile)

Gene: PRPF8 (pre-mRNA processing factor 8; minus strand). Cytogenetic location: 17p13.3.
Variant type: single nucleotide variant.
Coding change: c.2952G>A on transcript NM_006445.4 (MANE Select); coding-DNA position 2952, G replaced by A.
Protein change: p.Met984Ile; replaces methionine 984 with isoleucine.
Molecular consequence: missense variant.
Genome position (GRCh38, 1-based): chr17:1,675,260, C>T on the plus strand (G>A on the coding strand, the complement: PRPF8 is on the minus strand). VCF-style: chr17-1675260-C-T. GRCh37 (hg19) VCF-style: chr17-1578554-C-T.
Other names: short protein forms M984I.
Identifiers: ClinVar variation 1968991 (VCV001968991.5), dbSNP rs1014972699, ClinGen allele CA286806405.